The following is an entry in ClinVar:

NM_001875.5(CPS1):c.2227del (p.Ala742_Leu743insTer)

Gene: CPS1 (carbamoyl-phosphate synthase 1; plus strand). Cytogenetic location: 2q34.
Variant type: Deletion.
Coding change: c.2227del on transcript NM_001875.5 (MANE Select); coding-DNA position 2227, one base deleted (C; older notation c.2227delC).
Protein change: p.Ala742_Leu743insTer.
Molecular consequence: nonsense. On other transcripts: non-coding transcript variant (2).
Genome position (GRCh38, 1-based): chr2:210,608,395, C deleted; the last of 3 consecutive C bases (chr2:210,608,393-210,608,395); deleting any one gives the same sequence. VCF-style (leftmost placement, unchanged base first): chr2-210608392-GC-G. GRCh37 (hg19) VCF-style: chr2-211473116-GC-G.
Other names: c.2227delC (NM_001875.4); c.2227del (NM_001875.4, LRG_336t1); c.2227del, p.Ala742_Leu743insTer (NM_001122633.3, NM_001369257.1); c.2260del, p.Ala753_Leu754insTer (NM_001369256.1).
Identifiers: ClinVar variation 557529 (VCV000557529.4), dbSNP rs781088670, ClinGen allele CA2086590.
Genomic context (GRCh38, chr2:210,608,392, plus strand): 5'-AAAAAAATAAATTTGTCTTCTTTTTATAGCTACCCATTGGCATTCATTGCTGCAAAGATT[GC>G]CCTAGGAATCCCACTTCCAGAAATTAAGAACGTCGTATCCGGGAAGACATCAGCCTGTTT-3'

ClinVar aggregate classification (germline): Pathogenic. Review status: criteria provided, single submitter (1 of 4 stars). 2 submissions from 2 submitters: Pathogenic (1). 1 of the submissions does not count toward it. Last evaluated 2025-03-06.

Conditions:
Congenital hyperammonemia, type I. Also called: Carbamoyl-phosphate synthase I deficiency; CPS I DEFICIENCY; Carbamoyl phosphate synthetase I deficiency disease; Carbamoyl phosphate synthetase 1 deficiency; Hyperammonemia due to carbamoyl phosphate synthetase 1 deficiency; CPS 1 deficiency. Identifiers: Orphanet 147, MedGen C4082171, MONDO:0009376, OMIM 237300.

Submissions (2):

Natera, Inc.
Classification: Pathogenic for Carbamoyl-phosphate synthase I deficiency. Last evaluated: 2025-03-06. Review status: criteria provided, single submitter. Criteria: Natera Variant Classification Schema (03/2026). Collection method: clinical testing. Allele origin: germline.
Comment: The c.2227del variant in CPS1 is a frameshift variant predicted to shift the reading frame and introduce a stop codon. This variant is expected to result in nonsense mediated decay, truncation, or a dysfunctional protein product. This variant is rare in the general population with a frequency below the threshold expected for the associated phenotype(s). This variant has been observed in one or more individuals affected with the associated recessive disease, as either homozygous or compound heterozygous with a second variant (PMID: 33309754). Given the available evidence, this variant is classified as Pathogenic.

Counsyl
Classification: Likely pathogenic for Congenital hyperammonemia, type I. Last evaluated: 2018-03-28. Review status: no assertion criteria provided. Collection method: clinical testing. Allele origin: unknown. Not counted in ClinVar's aggregate classification.

Literature cited by the submitters: PubMed 33309754 (cited by Natera, Inc.); PubMed 21120950 (cited by Counsyl).